The following is an entry in ClinVar:

NM_003240.5(LEFTY2):c.497+13C>G

Gene: LEFTY2 (left-right determination factor 2; minus strand). Cytogenetic location: 1q42.12.
Variant type: single nucleotide variant.
Coding change: c.497+13C>G on transcript NM_003240.5 (MANE Select); 13 bases into the intron after coding-DNA position 497, C replaced by G.
Molecular consequence: intron variant.
Genome position (GRCh38, 1-based): chr1:225,939,743, G>C on the plus strand (C>G on the coding strand, the complement: LEFTY2 is on the minus strand). VCF-style: chr1-225939743-G-C. GRCh37 (hg19) VCF-style: chr1-226127443-G-C.
Other names: c.395+13C>G (NM_001172425.3).
Identifiers: ClinVar variation 138108 (VCV000138108.19), dbSNP rs74578461, ClinGen allele CA291912.

ClinVar aggregate classification (germline): Benign. Review status: criteria provided, multiple submitters, no conflicts (2 of 4 stars). 9 submissions from 9 submitters: Benign (6). 3 of the submissions do not count toward it. Last evaluated 2026-02-03.

Conditions:
Left-right axis malformations. Identifiers: MedGen C1866091.

Allele frequency attached by ClinVar (database versions not stated): ESP Exome Variant Server 0.25318; 1000 Genomes Project 0.29173; 1000 Genomes Project 30x 0.29419; gnomAD exomes 0.31057; gnomAD 0.32279 and 0.32854; TOPMed 0.33124; ExAC 0.34405.
gnomAD v4.1: 492,322 of 1,597,580 alleles (31%); highest among the groups gnomAD compares: Admixed American, 40%; 76,864 homozygotes.

Submissions (9):

Labcorp Genetics (formerly Invitae), Labcorp
Classification: Benign for Left-right axis malformations. Last evaluated: 2026-02-03. Review status: criteria provided, single submitter. Criteria: Invitae Variant Classification Sherloc (09022015). Collection method: clinical testing. Allele origin: germline.

Blueprint Genetics
Classification: Benign. Last evaluated: 2024-11-26. Review status: criteria provided, single submitter. Criteria: ACMG Guidelines, 2015. Collection method: clinical testing. Allele origin: germline.

Illumina Laboratory Services, Illumina
Classification: Benign for Left-right axis malformations. Last evaluated: 2018-01-13. Review status: criteria provided, single submitter. Criteria: ICSL Variant Classification Criteria 13 December 2019. Collection method: clinical testing. Allele origin: germline.
Comment: This variant was observed in the ICSL laboratory as part of a predisposition screen in an ostensibly healthy population. It had not been previously curated by ICSL or reported in the Human Gene Mutation Database (HGMD: prior to June 1st, 2018), and was therefore a candidate for classification through an automated scoring system. Utilizing variant allele frequency, disease prevalence and penetrance estimates, and inheritance mode, an automated score was calculated to assess if this variant is too frequent to cause the disease. Based on the score and internal cut-off values, a variant classified as benign is not then subjected to further curation. The score for this variant resulted in a classification of benign for this disease.

GeneDx
Classification: Benign. Last evaluated: 2013-01-23. Review status: criteria provided, single submitter. Criteria: GeneDx Variant Classification (06012015). Collection method: clinical testing. Allele origin: germline. Affected: yes.
Comment: This variant is considered likely benign or benign based on one or more of the following criteria: it is a conservative change, it occurs at a poorly conserved position in the protein, it is predicted to be benign by multiple in silico algorithms, and/or has population frequency not consistent with disease.

Breakthrough Genomics
Classification: Benign. Review status: criteria provided, single submitter. Criteria: ACMG Guidelines, 2015. Collection method: not provided. Allele origin: germline. Inheritance: Unknown mechanism. Affected: yes.

PreventionGenetics, part of Exact Sciences
Classification: Benign. Review status: criteria provided, single submitter. Criteria: ACMG Guidelines, 2015. Collection method: clinical testing. Allele origin: germline.

Clinical Genetics DNA and cytogenetics Diagnostics Lab, Erasmus MC, Erasmus Medical Center
Classification: Benign. Review status: no assertion criteria provided. Collection method: clinical testing. Allele origin: germline. Affected: yes. Study: VKGL Data-share Consensus. Not counted in ClinVar's aggregate classification.

Genome Diagnostics Laboratory, University Medical Center Utrecht
Classification: Benign. Review status: no assertion criteria provided. Collection method: clinical testing. Allele origin: germline. Affected: yes. Study: VKGL Data-share Consensus. Not counted in ClinVar's aggregate classification.

Joint Genome Diagnostic Labs from Nijmegen and Maastricht, Radboudumc and MUMC+
Classification: Benign. Review status: no assertion criteria provided. Collection method: clinical testing. Allele origin: germline. Affected: yes. Study: VKGL Data-share Consensus. Not counted in ClinVar's aggregate classification.